The following is an entry in ClinVar:

ClinVar aggregate classification (germline): Pathogenic. Review status: criteria provided, multiple submitters, no conflicts (2 of 4 stars). 3 submissions from 3 submitters: Pathogenic (2). 1 of the submissions does not count toward it. Last evaluated 2022-03-04.

Conditions:
Tuberous sclerosis syndrome (TSC). Also called: Tuberous Sclerosis Complex; Tuberous sclerosis. Identifiers: Orphanet 805, MedGen C0041341, MONDO:0001734.
Tuberous sclerosis 2 (TSC2). Identifiers: Orphanet 805, MedGen C1860707, MONDO:0013199, OMIM 613254.

Submissions (3):

Labcorp Genetics (formerly Invitae), Labcorp
Classification: Pathogenic for Tuberous sclerosis 2. Last evaluated: 2022-03-04. Review status: criteria provided, single submitter. Criteria: Invitae Variant Classification Sherloc (09022015). Collection method: clinical testing. Allele origin: germline.
Comment: This sequence change creates a premature translational stop signal (p.Leu1394Alafs*19) in the TSC2 gene. It is expected to result in an absent or disrupted protein product. Loss-of-function variants in TSC2 are known to be pathogenic (PMID: 10205261, 17304050). This variant is not present in population databases (gnomAD no frequency). This premature translational stop signal has been observed in individual(s) with tuberous sclerosis complex (PMID: 10607950, 32313033). This variant is also known as del4111CT (L1371FS1389X). For these reasons, this variant has been classified as Pathogenic.

Athena Diagnostics
Classification: Pathogenic for Tuberous sclerosis 2. Last evaluated: 2013-07-19. Review status: criteria provided, single submitter. Criteria: Athena Diagnostics Criteria. Collection method: clinical testing. Allele origin: germline. Inheritance: Autosomal dominant inheritance.

Tuberous sclerosis database (TSC2)
No classification provided. Condition: TSC. Review status: no classification provided. Criteria: Tuberous Sclerosis Database Assertion Criteria 2015. Collection method: curation. Allele origin: germline. Affected: yes. Not counted in ClinVar's aggregate classification.

Literature cited by the submitters: PubMed 10205261 (cited by Labcorp Genetics (formerly Invitae), Labcorp); PubMed 17304050 (cited by Labcorp Genetics (formerly Invitae), Labcorp); PubMed 10607950 (cited by Labcorp Genetics (formerly Invitae), Labcorp and Athena Diagnostics); PubMed 32313033 (cited by Labcorp Genetics (formerly Invitae), Labcorp); PubMed 16554133 (cited by Athena Diagnostics).

NM_000548.5(TSC2):c.4180_4181del (p.Leu1394fs)

Gene: TSC2 (TSC complex subunit 2; plus strand). Cytogenetic location: 16p13.3.
Variant type: Microsatellite.
Coding change: c.4180_4181del on transcript NM_000548.5 (MANE Select); coding-DNA positions 4180 to 4181, 2 bases deleted (CT; older notation c.4180_4181delCT).
Protein change: p.Leu1394fs; shifts the reading frame from leucine 1394.
Molecular consequence: frameshift variant.
Genome position (GRCh38, 1-based): chr16:2,084,402-2,084,403, CT deleted; deleting any 2 consecutive bases within chr16:2,084,400-2,084,403 gives the same sequence; the c. name uses the placement nearest the transcript's 3' end. VCF-style (leftmost placement, unchanged base first): chr16-2084399-ACT-A. GRCh37 (hg19) VCF-style: chr16-2134400-ACT-A.
Other names: c.3979_3980del, p.Leu1327fs (NM_001077183.3); c.4111_4112del, p.Leu1371fs (NM_001114382.3); c.3871_3872del, p.Leu1291fs (NM_001318827.2); c.3835_3836del, p.Leu1279fs (NM_001318829.2); c.3448_3449del, p.Leu1150fs (NM_001318831.2); c.4012_4013del, p.Leu1338fs (NM_001318832.2); c.3982_3983del, p.Leu1328fs (NM_001363528.2); c.4048_4049del, p.Leu1350fs (NM_001370404.1); and 1 more; short protein forms L1291fs, L1328fs, L1350fs, L1394fs, L1338fs, L1150fs, L1327fs, L1351fs.
Identifiers: ClinVar variation 50061 (VCV000050061.6), dbSNP rs137854363, ClinGen allele CA020052.